The following is an entry in ClinVar:

ClinVar aggregate classification (germline): Likely pathogenic (1 of 4 stars; one submission).

Conditions:
Hereditary spastic paraplegia 43. Also called: Spastic paraplegia 43, autosomal recessive. Identifiers: Orphanet 320370, MedGen C2680446, MONDO:0014024, OMIM 615043.

Submission:

Neuberg Centre For Genomic Medicine, NCGM
Classification: Likely pathogenic for Hereditary spastic paraplegia 43. Review status: criteria provided, single submitter. Criteria: ACMG Guidelines, 2015. Collection method: clinical testing. Allele origin: germline. Inheritance: Autosomal recessive inheritance. Affected: yes.
Comment: The frameshift variant c.36_40del (p.Cys13ProfsTer57) in C19orf12 gene has not been reported previously as a pathogenic variant nor as a benign variant, to our knowledge. The p.Cys13ProfsTer57 variant is novel (not in any individuals) in gnomAD Exomes and 1000 Genomes. This variant causes a frameshift starting with codon Cysteine 13, changes this amino acid to Proline residue, and creates a premature Stop codon at position 57 of the new reading frame, denoted p.Cys13ProfsTer57. This variant is predicted to cause loss of normal protein function. Loss of function variants have been previously reported to be disease causing. For these reasons, this variant has been classified as Likely Pathogenic.

NM_031448.6(C19orf12):c.36_40del (p.Cys13fs)

Gene: C19orf12 (chromosome 19 open reading frame 12; minus strand). Cytogenetic location: 19q12.
Variant type: Deletion.
Coding change: c.36_40del on transcript NM_031448.6 (MANE Select); coding-DNA positions 36 to 40, 5 bases deleted (GTGCT; older notation c.36_40delGTGCT).
Protein change: p.Cys13fs; shifts the reading frame from cysteine 13.
Molecular consequence: frameshift variant. On other transcripts: 5 prime UTR variant (1), intron variant (2).
Genome position (GRCh38, 1-based): chr19:29,708,374-29,708,378, AGCAC deleted on the plus strand (GTGCT on the coding strand, the reverse complement: C19orf12 is on the minus strand); deleting any 5 consecutive bases within chr19:29,708,374-29,708,382 gives the same sequence; the c. name uses the placement nearest the transcript's 3' end. VCF-style (leftmost placement, unchanged base first): chr19-29708373-GAGCAC-G. GRCh37 (hg19) VCF-style: chr19-30199280-GAGCAC-G.
Other names: c.36_40del, p.Cys13fs (NM_001031726.4, NM_001256046.3, NM_001256047.2); c.-278_-274del (NM_001282931.3); c.-32-5401_-32-5397del (NM_001282929.1, NM_001282930.3); short protein forms C13fs.
Identifiers: ClinVar variation 2584972 (VCV002584972.1), dbSNP rs2513300586, ClinGen allele CA2582342948.
Genomic context (GRCh38, chr19:29,708,373, plus strand): 5'-ACCAGGGCACCCTTCCCAGAGTGCTTGACAGCCGCCTTCATCTTCCTCTCCCCAGAAAGG[GAGCAC>G]AGCAGCTTCATGATGTCCTCCACCATGATAGTCATCGTGGCGGGCCTTCGAGGGAGAAGT-3'